The following is an entry in ClinVar:

ClinVar aggregate classification (germline): Pathogenic (1 of 4 stars; one submission).

Submission:

Labcorp Genetics (formerly Invitae), Labcorp
Classification: Pathogenic. Last evaluated: 2021-02-08. Review status: criteria provided, single submitter. Criteria: Invitae Variant Classification Sherloc (09022015). Collection method: clinical testing. Allele origin: germline.
Comment: For these reasons, this variant has been classified as Pathogenic. This variant has not been reported in the literature in individuals with PCDH15-related conditions. This variant is not present in population databases (ExAC no frequency). This sequence change creates a premature translational stop signal (p.Ile1264*) in the PCDH15 gene. It is expected to result in an absent or disrupted protein product. Loss-of-function variants in PCDH15 are known to be pathogenic (PMID: 11398101, 11487575, 14570705).

Literature cited by the submitters: PubMed 11398101; PubMed 11487575; PubMed 14570705.

NM_001384140.1(PCDH15):c.3789del (p.Lys1263_Ile1264insTer)

Gene: PCDH15 (protocadherin related 15; minus strand). Cytogenetic location: 10q21.1.
Variant type: Deletion.
Coding change: c.3789del on transcript NM_001384140.1 (MANE Select); coding-DNA position 3789, one base deleted (G; older notation c.3789delG).
Protein change: p.Lys1263_Ile1264insTer.
Molecular consequence: frameshift variant. On other transcripts: nonsense (1).
Genome position (GRCh38, 1-based): chr10:53,857,192, C deleted on the plus strand (G on the coding strand, the reverse complement: PCDH15 is on the minus strand). VCF-style (leftmost placement, unchanged base first): chr10-53857191-TC-T. GRCh37 (hg19) VCF-style: chr10-55616951-TC-T.
Other names: c.3804del, p.Lys1268_Ile1269insTer (NM_001142763.2, NM_001142771.2); c.3789del, p.Lys1263_Ile1264insTer (NM_001142764.2, NM_001142766.2, NM_001142770.3 and 4 more transcripts); c.3576del, p.Lys1192_Ile1193insTer (NM_001142765.2); c.3678del, p.Lys1226_Ile1227insTer (NM_001142767.2); c.3723del, p.Lys1241_Ile1242insTer (NM_001142768.2, NM_001142773.2, NM_001354404.2); c.3825delG, p.Ile1276Terfs (NM_001142769.4); c.3810del, p.Lys1270_Ile1271insTer (NM_001354411.2).
Identifiers: ClinVar variation 1420760 (VCV001420760.6), dbSNP rs2133038541, ClinGen allele CA2573145119.